The following is an entry in ClinVar:

NM_001289080.2(CNTN6):c.2402-6T>G

Gene: CNTN6 (contactin 6; plus strand). Cytogenetic location: 3p26.3.
Variant type: single nucleotide variant.
Coding change: c.2402-6T>G on transcript NM_001289080.2 (MANE Select); 6 bases into the intron before coding-DNA position 2402, T replaced by G.
Molecular consequence: intron variant.
Genome position (GRCh38, 1-based): chr3:1,383,287, T>G. VCF-style: chr3-1383287-T-G. GRCh37 (hg19) VCF-style: chr3-1424971-T-G.
Other names: c.2402-6T>G (NM_001349351.2, NM_001349354.2, NM_014461.4 and 4 more transcripts); c.1280-6T>G (NM_001349361.2, NM_001349362.2, NM_001349360.2 and 1 more transcripts); c.1847-6T>G (NM_001349358.2); c.2294-6T>G (NM_001349356.2); c.2090-6T>G (NM_001349357.2); c.2186-6T>G (NM_001289081.2).
Identifiers: ClinVar variation 3348307 (VCV003348307.1).

ClinVar aggregate classification (germline): Uncertain significance (0 of 4 stars; one submission).

Conditions:
CNTN6-related disorder. Also called: CNTN6-related condition.

Submission:

PreventionGenetics, part of Exact Sciences
Classification: Uncertain significance for CNTN6-related condition. Last evaluated: 2024-03-20. Review status: no assertion criteria provided. Collection method: clinical testing. Allele origin: germline.
Comment: The CNTN6 c.2402-6T>G variant is predicted to interfere with splicing. However, the use of computer prediction software is not equivalent to functional evidence. To our knowledge, this variant has not been reported in the literature or in a large population database, indicating this variant is rare. At this time, the clinical significance of this variant is uncertain due to the absence of conclusive functional and genetic evidence.